The following is an entry in ClinVar:

ClinVar aggregate classification (germline): Uncertain significance (1 of 4 stars; one submission).

gnomAD v4.1: 1 of 1,597,858 alleles (0.000063%); no homozygotes.

Submission:

Labcorp Genetics (formerly Invitae), Labcorp
Classification: Uncertain significance. Last evaluated: 2022-05-10. Review status: criteria provided, single submitter. Criteria: Invitae Variant Classification Sherloc (09022015). Collection method: clinical testing. Allele origin: germline.
Comment: In summary, the available evidence is currently insufficient to determine the role of this variant in disease. Therefore, it has been classified as a Variant of Uncertain Significance. Algorithms developed to predict the effect of sequence changes on RNA splicing suggest that this variant may disrupt the consensus splice site. This variant has not been reported in the literature in individuals affected with SPEG-related conditions. This variant is not present in population databases (gnomAD no frequency). This sequence change falls in intron 30 of the SPEG gene. It does not directly change the encoded amino acid sequence of the SPEG protein.

NM_005876.5(SPEG):c.7610-19C>G

Genes: ASIC4-AS1 (ASIC4 antisense RNA 1; minus strand), SPEG (striated muscle enriched protein kinase; plus strand). Cytogenetic location: 2q35.
Variant type: single nucleotide variant.
Coding change: c.7610-19C>G on transcript NM_005876.5 (MANE Select); 19 bases into the intron before coding-DNA position 7610, C replaced by G.
Molecular consequence: intron variant.
Genome position (GRCh38, 1-based): chr2:219,485,327, C>G. VCF-style: chr2-219485327-C-G. GRCh37 (hg19) VCF-style: chr2-220350049-C-G.
Identifiers: ClinVar variation 1992597 (VCV001992597.4), dbSNP rs117122843, ClinGen allele CA2553393010.